The following is an entry in ClinVar:

ClinVar aggregate classification (germline): Uncertain significance (1 of 4 stars; one submission).

Conditions:
Hereditary cancer-predisposing syndrome. Also called: Tumor predisposition; Hereditary neoplastic syndrome; Hereditary Cancer Syndrome; Neoplastic Syndromes, Hereditary. Identifiers: Orphanet 140162, MedGen C0027672, MeSH D009386, MONDO:0015356.

gnomAD v4.1: 3 of 1,611,914 alleles (0.00019%); highest among the groups gnomAD compares: South Asian, 0.0011%; no homozygotes.

Submission:

Ambry Genetics
Classification: Uncertain significance for Hereditary cancer-predisposing syndrome. Last evaluated: 2025-05-31. Review status: criteria provided, single submitter. Criteria: Ambry Variant Classification Scheme 2023. Collection method: clinical testing. Allele origin: germline.
Comment: The p.V111F variant (also known as c.331G>T), located in coding exon 4 of the SDHD gene, results from a G to T substitution at nucleotide position 331. The valine at codon 111 is replaced by phenylalanine, an amino acid with highly similar properties. This amino acid position is conserved. In addition, this alteration is predicted to be deleterious by in silico analysis. Based on the available evidence, the clinical significance of this variant remains unclear.

NM_003002.4(SDHD):c.331G>T (p.Val111Phe)

Gene: SDHD (succinate dehydrogenase complex subunit D; plus strand). Cytogenetic location: 11q23.1.
Variant type: single nucleotide variant.
Coding change: c.331G>T on transcript NM_003002.4 (MANE Select); coding-DNA position 331, G replaced by T.
Protein change: p.Val111Phe; replaces valine 111 with phenylalanine.
Molecular consequence: missense variant. On other transcripts: 3 prime UTR variant (1), non-coding transcript variant (1).
Genome position (GRCh38, 1-based): chr11:112,094,821, G>T. VCF-style: chr11-112094821-G-T. GRCh37 (hg19) VCF-style: chr11-111965545-G-T.
Other names: c.186G>T, p.Leu62Phe (NM_001276503.2); c.214G>T, p.Val72Phe (NM_001276504.2); c.*29G>T (NM_001276506.2); short protein forms L62F, V111F, V72F.
Identifiers: ClinVar variation 3951422 (VCV003951422.1).